The following is an entry in ClinVar:

NM_001278716.2(FBXL4):c.116A>G (p.Glu39Gly)

Gene: FBXL4 (F-box and leucine rich repeat protein 4; minus strand). Cytogenetic location: 6q16.2.
Variant type: single nucleotide variant.
Coding change: c.116A>G on transcript NM_001278716.2 (MANE Select); coding-DNA position 116, A replaced by G.
Protein change: p.Glu39Gly; replaces glutamic acid 39 with glycine.
Molecular consequence: missense variant. On other transcripts: non-coding transcript variant (2).
Genome position (GRCh38, 1-based): chr6:98,926,873, T>C on the plus strand (A>G on the coding strand, the complement: FBXL4 is on the minus strand). VCF-style: chr6-98926873-T-C. GRCh37 (hg19) VCF-style: chr6-99374749-T-C.
Other names: c.116A>G, p.Glu39Gly (NM_012160.5); short protein forms E39G.
Identifiers: ClinVar variation 2011206 (VCV002011206.4), dbSNP rs2535147293, ClinGen allele CA365091644.

ClinVar aggregate classification (germline): Uncertain significance (1 of 4 stars; one submission).

Submission:

Labcorp Genetics (formerly Invitae), Labcorp
Classification: Uncertain significance. Last evaluated: 2022-10-28. Review status: criteria provided, single submitter. Criteria: Invitae Variant Classification Sherloc (09022015). Collection method: clinical testing. Allele origin: germline.
Comment: This sequence change replaces glutamic acid, which is acidic and polar, with glycine, which is neutral and non-polar, at codon 39 of the FBXL4 protein (p.Glu39Gly). This variant is not present in population databases (gnomAD no frequency). This variant has not been reported in the literature in individuals affected with FBXL4-related conditions. Algorithms developed to predict the effect of missense changes on protein structure and function are either unavailable or do not agree on the potential impact of this missense change (SIFT: "Deleterious"; PolyPhen-2: "Benign"; Align-GVGD: "Class C0"). In summary, the available evidence is currently insufficient to determine the role of this variant in disease. Therefore, it has been classified as a Variant of Uncertain Significance.